The following is an entry in ClinVar:

ClinVar aggregate classification (germline): Uncertain significance (1 of 4 stars; one submission).

Submission:

Labcorp Genetics (formerly Invitae), Labcorp
Classification: Uncertain significance. Last evaluated: 2024-02-24. Review status: criteria provided, single submitter. Criteria: Invitae Variant Classification Sherloc (09022015). Collection method: clinical testing. Allele origin: germline.
Comment: This sequence change replaces proline, which is neutral and non-polar, with threonine, which is neutral and polar, at codon 306 of the KLF11 protein (p.Pro306Thr). This variant is not present in population databases (gnomAD no frequency). This variant has not been reported in the literature in individuals affected with KLF11-related conditions. ClinVar contains an entry for this variant (Variation ID: 1487596). An algorithm developed to predict the effect of missense changes on protein structure and function (PolyPhen-2) suggests that this variant is likely to be tolerated. In summary, the available evidence is currently insufficient to determine the role of this variant in disease. Therefore, it has been classified as a Variant of Uncertain Significance.

NM_003597.5(KLF11):c.916C>A (p.Pro306Thr)

Gene: KLF11 (KLF transcription factor 11; plus strand). Cytogenetic location: 2p25.1.
Variant type: single nucleotide variant.
Coding change: c.916C>A on transcript NM_003597.5 (MANE Select); coding-DNA position 916, C replaced by A.
Protein change: p.Pro306Thr; replaces proline 306 with threonine.
Molecular consequence: missense variant.
Genome position (GRCh38, 1-based): chr2:10,048,253, C>A. VCF-style: chr2-10048253-C-A. GRCh37 (hg19) VCF-style: chr2-10188380-C-A.
Other names: c.865C>A, p.Pro289Thr (NM_001177716.2, NM_001177718.2); short protein forms P289T, P306T.
Identifiers: ClinVar variation 1487596 (VCV001487596.8), dbSNP rs2125279261, ClinGen allele CA345803382.